The following is an entry in ClinVar:

NM_000258.3(MYL3):c.245C>T (p.Ala82Val)

Gene: MYL3 (myosin light chain 3; minus strand). Cytogenetic location: 3p21.31.
Variant type: single nucleotide variant.
Coding change: c.245C>T on transcript NM_000258.3 (MANE Select); coding-DNA position 245, C replaced by T.
Protein change: p.Ala82Val; replaces alanine 82 with valine.
Molecular consequence: missense variant.
Genome position (GRCh38, 1-based): chr3:46,860,738, G>A on the plus strand (C>T on the coding strand, the complement: MYL3 is on the minus strand). VCF-style: chr3-46860738-G-A. GRCh37 (hg19) VCF-style: chr3-46902228-G-A.
Other names: short protein forms A82V.
Identifiers: ClinVar variation 568020 (VCV000568020.18), dbSNP rs752549068, ClinGen allele CA043211.

ClinVar aggregate classification (germline): Uncertain significance. Review status: criteria provided, multiple submitters, no conflicts (2 of 4 stars). 6 submissions from 6 submitters: Uncertain significance (6). Last evaluated 2025-06-24.

Conditions:
Cardiovascular phenotype. Identifiers: MedGen CN230736.
Cardiomyopathy (CMYO). Also called: Cardiomyopathies. Identifiers: Orphanet 167848, MedGen C0878544, MONDO:0004994, HP:0001638. Inheritance: Various modes of inheritance.
Hypertrophic cardiomyopathy. Also called: HYPERTROPHIC MYOCARDIOPATHY. Identifiers: Orphanet 217569, MedGen C0007194, MeSH D002312, MONDO:0005045, HP:0001639.

Allele frequency attached by ClinVar (database versions not stated): gnomAD exomes 0.00001 and 0.00003; TOPMed 0.00001; ExAC 0.00003.
gnomAD v4.1: 15 of 1,614,106 alleles (0.00093%); highest among the groups gnomAD compares: South Asian, 0.0022%; no homozygotes.

Submissions (6):

Labcorp Genetics (formerly Invitae), Labcorp
Classification: Uncertain significance for Hypertrophic cardiomyopathy. Last evaluated: 2025-06-24. Review status: criteria provided, single submitter. Criteria: Invitae Variant Classification Sherloc (09022015). Collection method: clinical testing. Allele origin: germline.
Comment: This sequence change replaces alanine, which is neutral and non-polar, with valine, which is neutral and non-polar, at codon 82 of the MYL3 protein (p.Ala82Val). This variant is present in population databases (rs752549068, gnomAD 0.006%). This variant has not been reported in the literature in individuals affected with MYL3-related conditions. ClinVar contains an entry for this variant (Variation ID: 568020). An algorithm developed to predict the effect of missense changes on protein structure and function (PolyPhen-2) suggests that this variant is likely to be disruptive. In summary, the available evidence is currently insufficient to determine the role of this variant in disease. Therefore, it has been classified as a Variant of Uncertain Significance.

Ambry Genetics
Classification: Uncertain significance for Cardiovascular phenotype. Last evaluated: 2025-01-13. Review status: criteria provided, single submitter. Criteria: Ambry Variant Classification Scheme 2023. Collection method: clinical testing. Allele origin: germline.
Comment: The p.A82V variant (also known as c.245C>T), located in coding exon 3 of the MYL3 gene, results from a C to T substitution at nucleotide position 245. The alanine at codon 82 is replaced by valine, an amino acid with similar properties. This amino acid position is conserved. In addition, this alteration is predicted to be deleterious by in silico analysis. Since supporting evidence is limited at this time, the clinical significance of this alteration remains unclear.

All of Us Research Program, National Institutes of Health
Classification: Uncertain significance for Hypertrophic cardiomyopathy. Last evaluated: 2024-07-10. Review status: criteria provided, single submitter. Criteria: ACMG Guidelines, 2015. Collection method: clinical testing. Allele origin: germline. Inheritance: Autosomal dominant inheritance. Observed: 3 variant alleles, 3 heterozygotes.
Comment: This missense variant replaces alanine with valine at codon 82 of the MYL3 protein. Computational prediction suggests that this variant may have deleterious impact on protein structure and function (internally defined REVEL score threshold >= 0.7, PMID: 27666373). Splice site prediction tools suggest that this variant may not impact RNA splicing. To our knowledge, functional studies have not been reported for this variant. This variant has not been reported in individuals affected with cardiovascular disorders in the literature. This variant has been identified in 8/251430 chromosomes in the general population by the Genome Aggregation Database (gnomAD). The available evidence is insufficient to determine the role of this variant in disease conclusively. Therefore, this variant is classified as a Variant of Uncertain Significance.

This study involves interpretation of variants in research participants for the purpose of population health screening. Participant phenotype was not available at the time of variant classification. Additional details can be found in publication PMID: 35346344, PMCID: PMC8962531

Color Diagnostics, LLC DBA Color Health
Classification: Uncertain significance for Cardiomyopathy. Last evaluated: 2024-06-20. Review status: criteria provided, single submitter. Criteria: ACMG Guidelines, 2015. Collection method: clinical testing. Allele origin: germline.
Comment: This missense variant replaces alanine with valine at codon 82 of the MYL3 protein. Computational prediction tools indicate that this variant has a deleterious impact on protein structure and function. To our knowledge, functional studies have not been reported for this variant. This variant has not been reported in individuals affected with MYL3-related disorders in the literature. This variant has been identified in 8/251430 chromosomes in the general population by the Genome Aggregation Database (gnomAD). The available evidence is insufficient to determine the role of this variant in disease conclusively. Therefore, this variant is classified as a Variant of Uncertain Significance.

Blueprint Genetics
Classification: Uncertain significance. Last evaluated: 2021-05-06. Review status: criteria provided, single submitter. Criteria: ACMG Guidelines, 2015. Collection method: clinical testing. Allele origin: germline.

Women's Health and Genetics/Laboratory Corporation of America, LabCorp
Classification: Uncertain significance. Last evaluated: 2018-10-01. Review status: criteria provided, single submitter. Criteria: LabCorp Variant Classification Summary - May 2015. Collection method: clinical testing. Allele origin: germline.
Comment: Variant summary: MYL3 c.245C>T (p.Ala82Val) results in a non-conservative amino acid change located in the EF-hand domain of the encoded protein sequence. Five of five in-silico tools predict a damaging effect of the variant on protein function. The variant allele was found at a frequency of 3.2e-05 in 246226 control chromosomes. The available data on variant occurrences in the general population are insufficient to allow any conclusion about variant significance. To our knowledge, no occurrence of c.245C>T in individuals affected with Cardiomyopathy and no experimental evidence demonstrating its impact on protein function have been reported. No clinical diagnostic laboratories have submitted clinical-significance assessments for this variant to ClinVar after 2014. Based on the evidence outlined above, the variant was classified as uncertain significance.